The following is an entry in ClinVar:

ClinVar aggregate classification (germline): Uncertain significance (1 of 4 stars; one submission).

Submission:

GeneDx
Classification: Uncertain significance. Last evaluated: 2022-11-15. Review status: criteria provided, single submitter. Criteria: GeneDx Variant Classification Process June 2021. Collection method: clinical testing. Allele origin: germline. Affected: yes.
Comment: Not observed at significant frequency in large population cohorts (gnomAD); In silico analysis supports that this missense variant has a deleterious effect on protein structure/function; Has not been previously published as pathogenic or benign to our knowledge; This variant is associated with the following publications: (PMID: Sanchez_2022_Case Report)

NM_025216.3(WNT10A):c.684T>G (p.Phe228Leu)

Gene: WNT10A (Wnt family member 10A; plus strand). Cytogenetic location: 2q35.
Variant type: single nucleotide variant.
Coding change: c.684T>G on transcript NM_025216.3 (MANE Select); coding-DNA position 684, T replaced by G.
Protein change: p.Phe228Leu; replaces phenylalanine 228 with leucine.
Molecular consequence: missense variant.
Genome position (GRCh38, 1-based): chr2:218,890,291, T>G. VCF-style: chr2-218890291-T-G. GRCh37 (hg19) VCF-style: chr2-219755013-T-G.
Other names: short protein forms F228L.
Identifiers: ClinVar variation 2502114 (VCV002502114.1), dbSNP rs2470313377, ClinGen allele CA350587219.